The following is an entry in ClinVar:

ClinVar aggregate classification (germline): Conflicting classifications of pathogenicity. Review status: criteria provided, conflicting classifications (1 of 4 stars). 2 submissions from 2 submitters: Uncertain significance (1); Likely benign (1). Last evaluated 2025-05-05.

Conditions:
Fanconi anemia (FA). Also called: Fanconi's anemia. Identifiers: Orphanet 84, MedGen C0015625, MeSH D005199, MONDO:0019391.
Inborn genetic diseases. Identifiers: MedGen C0950123, MeSH D030342.

Allele frequency attached by ClinVar (database versions not stated): gnomAD exomes below 0.00001.
gnomAD v4.1: 5 of 1,614,016 alleles (0.00031%); highest among the groups gnomAD compares: Non-Finnish European, 0.00042%; no homozygotes.

Submissions (2):

Ambry Genetics
Classification: Likely benign for Inborn genetic diseases. Last evaluated: 2025-05-05. Review status: criteria provided, single submitter. Criteria: Ambry Variant Classification Scheme 2023. Collection method: clinical testing. Allele origin: germline.

Labcorp Genetics (formerly Invitae), Labcorp
Classification: Uncertain significance for Fanconi anemia. Last evaluated: 2022-06-26. Review status: criteria provided, single submitter. Criteria: Invitae Variant Classification Sherloc (09022015). Collection method: clinical testing. Allele origin: germline.
Comment: In summary, the available evidence is currently insufficient to determine the role of this variant in disease. Therefore, it has been classified as a Variant of Uncertain Significance. This sequence change replaces isoleucine, which is neutral and non-polar, with valine, which is neutral and non-polar, at codon 540 of the FANCA protein (p.Ile540Val). This variant is not present in population databases (gnomAD no frequency). This variant has not been reported in the literature in individuals affected with FANCA-related conditions. Advanced modeling of protein sequence and biophysical properties (such as structural, functional, and spatial information, amino acid conservation, physicochemical variation, residue mobility, and thermodynamic stability) performed at Invitae indicates that this missense variant is not expected to disrupt FANCA protein function.

NM_000135.4(FANCA):c.1618A>G (p.Ile540Val)

Gene: FANCA (FA complementation group A; minus strand). Cytogenetic location: 16q24.3.
Variant type: single nucleotide variant.
Coding change: c.1618A>G on transcript NM_000135.4 (MANE Select); coding-DNA position 1618, A replaced by G.
Protein change: p.Ile540Val; replaces isoleucine 540 with valine.
Molecular consequence: missense variant.
Genome position (GRCh38, 1-based): chr16:89,782,867, T>C on the plus strand (A>G on the coding strand, the complement: FANCA is on the minus strand). VCF-style: chr16-89782867-T-C. GRCh37 (hg19) VCF-style: chr16-89849275-T-C.
Other names: c.1618A>G, p.Ile540Val (NM_001286167.3); short protein forms I540V.
Identifiers: ClinVar variation 2190553 (VCV002190553.5), dbSNP rs2544242608, ClinGen allele CA397457927.